The following is an entry in ClinVar:

ClinVar aggregate classification (germline): Conflicting classifications of pathogenicity. Review status: criteria provided, conflicting classifications (1 of 4 stars). 3 submissions from 3 submitters: Uncertain significance (2); Likely benign (1). Last evaluated 2024-09-20.

Conditions:
Developmental and epileptic encephalopathy, 46 (DEE46). Also called: Epileptic encephalopathy, early infantile, 46; GRIN2D-Related Developmental and Epileptic Encephalopathy. Identifiers: MedGen C4310687, MONDO:0014947, OMIM 617162.
Inborn genetic diseases. Identifiers: MedGen C0950123, MeSH D030342.

Submissions (3):

3billion
Classification: Likely benign for Developmental and epileptic encephalopathy, 46. Last evaluated: 2024-09-20. Review status: criteria provided, single submitter. Criteria: ACMG Guidelines, 2015. Collection method: clinical testing. Allele origin: germline. Affected: no.
Comment: The variant was identified in at least one patient who was diagnosed with a different variant in another gene and showed no symptoms related to the gene containing the variant in question.

Labcorp Genetics (formerly Invitae), Labcorp
Classification: Uncertain significance. Last evaluated: 2024-02-11. Review status: criteria provided, single submitter. Criteria: Invitae Variant Classification Sherloc (09022015). Collection method: clinical testing. Allele origin: germline.
Comment: This sequence change replaces glycine, which is neutral and non-polar, with alanine, which is neutral and non-polar, at codon 953 of the GRIN2D protein (p.Gly953Ala). The frequency data for this variant in the population databases is considered unreliable, as metrics indicate insufficient coverage at this position in the gnomAD database. This variant has not been reported in the literature in individuals affected with GRIN2D-related conditions. ClinVar contains an entry for this variant (Variation ID: 2607223). Advanced modeling of protein sequence and biophysical properties (such as structural, functional, and spatial information, amino acid conservation, physicochemical variation, residue mobility, and thermodynamic stability) performed at Invitae indicates that this missense variant is not expected to disrupt GRIN2D protein function with a negative predictive value of 95%. In summary, the available evidence is currently insufficient to determine the role of this variant in disease. Therefore, it has been classified as a Variant of Uncertain Significance.

Ambry Genetics
Classification: Uncertain significance for Inborn genetic diseases. Last evaluated: 2023-06-29. Review status: criteria provided, single submitter. Criteria: Ambry Variant Classification Scheme 2023. Collection method: clinical testing. Allele origin: germline.

NM_000836.4(GRIN2D):c.2858G>C (p.Gly953Ala)

Gene: GRIN2D (glutamate ionotropic receptor NMDA type subunit 2D; plus strand). Cytogenetic location: 19q13.33.
Variant type: single nucleotide variant.
Coding change: c.2858G>C on transcript NM_000836.4 (MANE Select); coding-DNA position 2858, G replaced by C.
Protein change: p.Gly953Ala; replaces glycine 953 with alanine.
Molecular consequence: missense variant.
Genome position (GRCh38, 1-based): chr19:48,442,784, G>C. VCF-style: chr19-48442784-G-C. GRCh37 (hg19) VCF-style: chr19-48946041-G-C.
Other names: short protein forms G953A.
Identifiers: ClinVar variation 2607223 (VCV002607223.5), dbSNP rs1195376092, ClinGen allele CA406674001.